The following is an entry in ClinVar:

ClinVar aggregate classification (germline): Benign/Likely benign. Review status: criteria provided, multiple submitters, no conflicts (2 of 4 stars). 2 submissions from 2 submitters: Benign (1); Likely benign (1). Last evaluated 2026-09-01.

Allele frequency attached by ClinVar (database versions not stated): gnomAD 0.00780 and 0.00825; TOPMed 0.00870; 1000 Genomes Project 0.00919; 1000 Genomes Project 30x 0.01031.
gnomAD v4.1: 1,172 of 151,944 alleles (0.77%); highest among the groups gnomAD compares: African/African-American, 2.7%; 21 homozygotes.

Submissions (2):

CeGaT Center for Human Genetics Tuebingen
Classification: Benign. Last evaluated: 2026-09-01. Review status: criteria provided, single submitter. Criteria: CeGaT Center For Human Genetics Tuebingen Variant Classification Criteria Version 2. Collection method: clinical testing. Allele origin: germline. Affected: yes. Observed: 1 variant allele.
Comment: ABCA4: BS1, BS2

GeneDx
Classification: Likely benign. Last evaluated: 2019-07-11. Review status: criteria provided, single submitter. Criteria: GeneDx Variant Classification Process June 2021. Collection method: clinical testing. Allele origin: germline. Affected: yes.
Comment: See Variant Classification Assertion Criteria.

NM_000350.3(ABCA4):c.768+508A>G

Gene: ABCA4 (ATP binding cassette subfamily A member 4; minus strand). Cytogenetic location: 1p22.1.
Variant type: single nucleotide variant.
Coding change: c.768+508A>G on transcript NM_000350.3 (MANE Select); 508 bases into the intron after coding-DNA position 768, A replaced by G.
Molecular consequence: intron variant.
Genome position (GRCh38, 1-based): chr1:94,098,286, T>C on the plus strand (A>G on the coding strand, the complement: ABCA4 is on the minus strand). VCF-style: chr1-94098286-T-C. GRCh37 (hg19) VCF-style: chr1-94563842-T-C.
Identifiers: ClinVar variation 1678822 (VCV001678822.3), dbSNP rs77933221, ClinGen allele CA26886175.
Genomic context (GRCh38, chr1:94,098,286, plus strand): 5'-CCAAATTTTTGAGACTATGAAACTTTCTCTGTCGTTTTTTCTCTCTAGAAACACCAACCA[T>C]TGAGGTTGAGACCATTTCCAGAGGAAGAAGCATGGGGCCATCATTTATTAAAATTTATGA-3'